The following is an entry in ClinVar:

NM_000215.4(JAK3):c.297G>C (p.Leu99=)

Gene: JAK3 (Janus kinase 3; minus strand). Cytogenetic location: 19p13.11.
Variant type: single nucleotide variant.
Coding change: c.297G>C on transcript NM_000215.4 (MANE Select); coding-DNA position 297, G replaced by C.
Protein change: p.Leu99=; no amino-acid change (leucine 99 retained).
Molecular consequence: synonymous variant.
Genome position (GRCh38, 1-based): chr19:17,843,788, C>G on the plus strand (G>C on the coding strand, the complement: JAK3 is on the minus strand). VCF-style: chr19-17843788-C-G. GRCh37 (hg19) VCF-style: chr19-17954597-C-G.
Other names: p.L99L:CTG>CTC; p.Leu99=.
Identifiers: ClinVar variation 137600 (VCV000137600.20), dbSNP rs3212716, ClinGen allele CA291261.

ClinVar aggregate classification (germline): Benign. Review status: criteria provided, multiple submitters, no conflicts (2 of 4 stars). 6 submissions from 6 submitters: Benign (5). 1 of the submissions does not count toward it. Last evaluated 2026-02-01.

Conditions:
JAK3-related disorder. Also called: JAK3-related condition.
T-B+ severe combined immunodeficiency due to JAK3 deficiency. Also called: SCID, autosomal recessive, T-negative/B-positive type; SCID, T CELL-NEGATIVE, B CELL-POSITIVE, NK CELL-NEGATIVE. Identifiers: Orphanet 35078, MedGen C1833275, MONDO:0010938, OMIM 600802.

Allele frequency attached by ClinVar (database versions not stated): gnomAD 0.02446; 1000 Genomes Project 0.02756; TOPMed 0.02844; 1000 Genomes Project 30x 0.03014; ESP Exome Variant Server 0.03014.

Submissions (10):

Labcorp Genetics (formerly Invitae), Labcorp
Classification: Benign for T-B+ severe combined immunodeficiency due to JAK3 deficiency. Last evaluated: 2026-02-01. Review status: criteria provided, single submitter. Criteria: Invitae Variant Classification Sherloc (09022015). Collection method: clinical testing. Allele origin: germline.

Mayo Clinic Laboratories, Mayo Clinic
Classification: Benign. Last evaluated: 2019-05-23. Review status: criteria provided, single submitter. Criteria: ACMG Guidelines, 2015. Collection method: clinical testing. Allele origin: germline. Observed: 6 variant alleles.

Illumina Laboratory Services, Illumina
Classification: Benign for T-B+ severe combined immunodeficiency due to JAK3 deficiency. Last evaluated: 2018-01-13. Review status: criteria provided, single submitter. Criteria: ICSL Variant Classification Criteria 13 December 2019. Collection method: clinical testing. Allele origin: germline.
Comment: This variant was observed in the ICSL laboratory as part of a predisposition screen in an ostensibly healthy population. It had not been previously curated by ICSL or reported in the Human Gene Mutation Database (HGMD: prior to June 1st, 2018), and was therefore a candidate for classification through an automated scoring system. Utilizing variant allele frequency, disease prevalence and penetrance estimates, and inheritance mode, an automated score was calculated to assess if this variant is too frequent to cause the disease. Based on the score and internal cut-off values, a variant classified as benign is not then subjected to further curation. The score for this variant resulted in a classification of benign for this disease.

GeneDx
Classification: Benign. Last evaluated: 2013-01-18. Review status: criteria provided, single submitter. Criteria: GeneDx Variant Classification (06012015). Collection method: clinical testing. Allele origin: germline. Affected: yes.
Comment: This variant is considered likely benign or benign based on one or more of the following criteria: it is a conservative change, it occurs at a poorly conserved position in the protein, it is predicted to be benign by multiple in silico algorithms, and/or has population frequency not consistent with disease.

Breakthrough Genomics
Classification: Benign. Review status: criteria provided, single submitter. Criteria: ACMG Guidelines, 2015. Collection method: not provided. Allele origin: germline. Inheritance: Autosomal recessive inheritance. Affected: yes.

PreventionGenetics, part of Exact Sciences
Classification: Benign for JAK3-related condition. Last evaluated: 2019-04-01. Review status: no assertion criteria provided. Collection method: clinical testing. Allele origin: germline. Not counted in ClinVar's aggregate classification.
Comment: This variant is classified as benign based on ACMG/AMP sequence variant interpretation guidelines (Richards et al. 2015 PMID: 25741868, with internal and published modifications).

Dr. Peter K. Rogan Lab, Western University
No classification provided (evidence only). Condition: Acute myeloid leukemia. Review status: no classification provided. Collection method: in vitro. Allele origin: not applicable. Functional consequence: retained intron. Not counted in ClinVar's aggregate classification.

Dr. Peter K. Rogan Lab, Western University
No classification provided (evidence only). Condition: Acute myeloid leukemia. Review status: no classification provided. Collection method: in vitro. Allele origin: not applicable. Functional consequence: retained intron. Not counted in ClinVar's aggregate classification.

Dr. Peter K. Rogan Lab, Western University
No classification provided (evidence only). Condition: Thyroid cancer, nonmedullary, 1. Review status: no classification provided. Collection method: in vitro. Allele origin: not applicable. Functional consequence: retained intron. Not counted in ClinVar's aggregate classification.

Dr. Peter K. Rogan Lab, Western University
No classification provided (evidence only). Condition: Malignant tumor of esophagus. Review status: no classification provided. Collection method: in vitro. Allele origin: not applicable. Functional consequence: retained intron. Not counted in ClinVar's aggregate classification.